The following is an entry in ClinVar:

NM_000017.4(ACADS):c.826G>A (p.Ala276Thr)

Gene: ACADS (acyl-CoA dehydrogenase short chain; plus strand). Cytogenetic location: 12q24.31.
Variant type: single nucleotide variant.
Coding change: c.826G>A on transcript NM_000017.4 (MANE Select); coding-DNA position 826, G replaced by A.
Protein change: p.Ala276Thr; replaces alanine 276 with threonine.
Molecular consequence: missense variant.
Genome position (GRCh38, 1-based): chr12:120,738,563, G>A. VCF-style: chr12-120738563-G-A. GRCh37 (hg19) VCF-style: chr12-121176366-G-A.
Other names: p.Ala276Thr; c.814G>A, p.Ala272Thr (NM_001302554.2); short protein forms A276T, A272T.
Identifiers: ClinVar variation 550290 (VCV000550290.54), dbSNP rs199717731, ClinGen allele CA6831088.
Genomic context (GRCh38, chr12:120,738,563, plus strand): 5'-GCGGGCCACTGACCAGGGCGGTCCCCACAGCAAACCCTGGACATGGGCCGCATCGGCATC[G>A]CCTCCCAGGCCCTGGGCATTGCCCAGACCGCCCTCGATTGTGCTGTGAACTACGCTGAGA-3'
Protein context (NP_000008.1, residues 266-286): QTLDMGRIGI[Ala276Thr]SQALGIAQTA

ClinVar aggregate classification (germline): Conflicting classifications of pathogenicity. Review status: criteria provided, conflicting classifications (1 of 4 stars). 6 submissions from 6 submitters: Likely pathogenic (1); Uncertain significance (4). 1 of the submissions does not count toward it. Last evaluated 2026-01-17.

Conditions:
ACADS-related disorder. Also called: ACADS-related condition.
Deficiency of butyryl-CoA dehydrogenase (ACADSD). Also called: Short-Chain Acyl-CoA Dehydrogenase Deficiency; ACYL-CoA DEHYDROGENASE, SHORT-CHAIN, DEFICIENCY OF; SCADH DEFICIENCY; SCAD Deficiency; SCAD DEFICIENCY, MILD; ACADS DEFICIENCY. Identifiers: Orphanet 26792, MedGen C0342783, MONDO:0008722, OMIM 201470. Disease mechanism: May be benign.

Allele frequency attached by ClinVar (database versions not stated): ExAC 0.00002; gnomAD 0.00002 and 0.00003; gnomAD exomes 0.00002; TOPMed 0.00003; 1000 Genomes Project 30x 0.00016; 1000 Genomes Project 0.00020.
gnomAD v4.1: 45 of 1,611,604 alleles (0.0028%); highest among the groups gnomAD compares: Non-Finnish European, 0.0037%; no homozygotes.

Submissions (6):

Labcorp Genetics (formerly Invitae), Labcorp
Classification: Uncertain significance for Deficiency of butyryl-CoA dehydrogenase. Last evaluated: 2026-01-17. Review status: criteria provided, single submitter. Criteria: Invitae Variant Classification Sherloc (09022015). Collection method: clinical testing. Allele origin: germline.
Comment: This sequence change replaces alanine, which is neutral and non-polar, with threonine, which is neutral and polar, at codon 276 of the ACADS protein (p.Ala276Thr). This variant is present in population databases (rs199717731, gnomAD 0.004%). This missense change has been observed in individual(s) with clinical features of SCAD deficiency (internal data). ClinVar contains an entry for this variant (Variation ID: 550290). Invitae Evidence Modeling of protein sequence and biophysical properties (such as structural, functional, and spatial information, amino acid conservation, physicochemical variation, residue mobility, and thermodynamic stability) indicates that this missense variant is expected to disrupt ACADS protein function with a positive predictive value of 95%. Experimental studies have shown that this missense change affects ACADS function (PMID: 18523805). In summary, the available evidence is currently insufficient to determine the role of this variant in disease. Therefore, it has been classified as a Variant of Uncertain Significance.

PreventionGenetics, part of Exact Sciences
Classification: Likely pathogenic for ACADS-related condition. Last evaluated: 2025-01-10. Review status: criteria provided, single submitter. Criteria: ACMG Guidelines, 2015. Collection method: clinical testing. Allele origin: germline.
Comment: The ACADS c.826G>A variant is predicted to result in the amino acid substitution p.Ala276Thr. This variant has been reported in at least two individuals, both with biochemical/enzymatic evidence of short-chain acyl-CoA-dehydrogenase deficiency (SCADD) and a variety of clinical symptoms (Pedersen et al 2008. PubMed ID: 18523805; Stagi S et al 2010. PubMed ID: 20389114). In functional studies, this variant resulted in reduced formation of enzyme tetramers and increased ACADS protein-chaperone complexes and protein aggregates, indicating this substitution may lead to protein misfolding (Pedersen et al 2008. PubMed ID: 18523805). This variant is reported in 0.0053% of alleles in individuals of European (Non-Finnish) descent in gnomAD. Taken together, this variant is interpreted as likely pathogenic.

Mayo Clinic Laboratories, Mayo Clinic
Classification: Uncertain significance. Last evaluated: 2024-06-06. Review status: criteria provided, single submitter. Criteria: ACMG Guidelines, 2015. Collection method: clinical testing. Allele origin: germline. Observed: 1 variant allele.
Comment: PP3, PM2

Genome-Nilou Lab
Classification: Uncertain significance for Deficiency of butyryl-CoA dehydrogenase. Last evaluated: 2021-11-07. Review status: criteria provided, single submitter. Criteria: ACMG Guidelines, 2015. Collection method: clinical testing. Allele origin: germline. Affected: no.

CeGaT Center for Human Genetics Tuebingen
Classification: Uncertain significance. Last evaluated: 2019-08-01. Review status: criteria provided, single submitter. Criteria: CeGaT Center For Human Genetics Tuebingen Variant Classification Criteria Version 2. Collection method: clinical testing. Allele origin: germline. Affected: yes. Observed: 1 variant allele.

Counsyl
Classification: Uncertain significance for Deficiency of butyryl-CoA dehydrogenase. Last evaluated: 2016-12-27. Review status: no assertion criteria provided. Collection method: clinical testing. Allele origin: unknown. Not counted in ClinVar's aggregate classification.

Literature cited by the submitters: PubMed 18523805 (cited by 3 submitters); PubMed 34426522 (cited by Mayo Clinic Laboratories, Mayo Clinic); PubMed 20389114 (cited by Counsyl).